The following is an entry in ClinVar:

ClinVar aggregate classification (germline): Likely benign (0 of 4 stars; one submission).

Conditions:
CIC-related disorder. Also called: CIC-related condition.

Allele frequency attached by ClinVar (database versions not stated): gnomAD exomes below 0.00001; ExAC 0.00001; gnomAD 0.00003; TOPMed 0.00003; ESP Exome Variant Server 0.00008.

Submission:

PreventionGenetics, part of Exact Sciences
Classification: Likely benign for CIC-related condition. Last evaluated: 2019-04-26. Review status: no assertion criteria provided. Collection method: clinical testing. Allele origin: germline.
Comment: This variant is classified as likely benign based on ACMG/AMP sequence variant interpretation guidelines (Richards et al. 2015 PMID: 25741868, with internal and published modifications).

NM_001386298.1(CIC):c.6523-6C>T

Gene: CIC (capicua transcriptional repressor; plus strand). Cytogenetic location: 19q13.2.
Variant type: single nucleotide variant.
Coding change: c.6523-6C>T on transcript NM_001386298.1 (MANE Select); 6 bases into the intron before coding-DNA position 6523, C replaced by T.
Molecular consequence: intron variant.
Genome position (GRCh38, 1-based): chr19:42,293,586, C>T. VCF-style: chr19-42293586-C-T. GRCh37 (hg19) VCF-style: chr19-42797738-C-T.
Other names: c.6523-6C>T (NM_001304815.2, NM_001379482.1); c.6520-6C>T (NM_001379480.1); c.3796-6C>T (NM_015125.5, NM_001379484.1, NM_001379485.1).
Identifiers: ClinVar variation 3047142 (VCV003047142.2), dbSNP rs373116620, ClinGen allele CA9472750.
Genomic context (GRCh38, chr19:42,293,586, plus strand): 5'-GTTTCTGGCCTTTGCCCCAGAGTCTGAGCTCAGTGTTCGCCATCTCCCTGCCCATCTCCA[C>T]CCCAGGCCAGCAAATTCCCCAGCTCATCTTCAGACTGGCGCGTCCCTGGGCAGGGCCTGG-3'